The following is an entry in ClinVar:

ClinVar aggregate classification (germline): Uncertain significance. Review status: criteria provided, multiple submitters, no conflicts (2 of 4 stars). 3 submissions from 3 submitters: Uncertain significance (3). Last evaluated 2024-03-06.

Conditions:
Hereditary cancer-predisposing syndrome. Also called: Neoplastic Syndromes, Hereditary; Tumor predisposition; Hereditary Cancer Syndrome; Hereditary neoplastic syndrome. Identifiers: Orphanet 140162, MedGen C0027672, MeSH D009386, MONDO:0015356.

Submissions (3):

Color Diagnostics, LLC DBA Color Health
Classification: Uncertain significance for Hereditary cancer-predisposing syndrome. Last evaluated: 2024-03-06. Review status: criteria provided, single submitter. Criteria: ACMG Guidelines, 2015. Collection method: clinical testing. Allele origin: germline.
Comment: This missense variant replaces glycine with arginine at codon 1702 of the APC protein. Computational prediction suggests that this variant may not impact protein structure and function (internally defined REVEL score threshold <= 0.5, PMID: 27666373). To our knowledge, functional studies have not been reported for this variant. This variant has not been reported in individuals affected with APC-related disorders in the literature. This variant has not been identified in the general population by the Genome Aggregation Database (gnomAD). The available evidence is insufficient to determine the role of this variant in disease conclusively. Therefore, this variant is classified as a Variant of Uncertain Significance.

GeneDx
Classification: Uncertain significance. Last evaluated: 2015-11-03. Review status: criteria provided, single submitter. Criteria: GeneDx Variant Classification (06012015). Collection method: clinical testing. Allele origin: germline. Affected: yes.
Comment: This variant is denoted APC c.5104G>A at the cDNA level, p.Gly1702Arg (G1702R) at the protein level, and results in the change of a Glycine to an Arginine (GGA>AGA). This variant has not, to our knowledge, been published in the literature as pathogenic or benign. APC Gly1702Arg was not observed in approximately 6,500 individuals of European and African American ancestry in the NHLBI Exome Sequencing Project, suggesting it is not a common benign variant in these populations. Since Glycine and Arginine differ in polarity, charge, size or other properties, this is considered a non-conservative amino acid substitution. APC Gly1702Arg occurs at a position that is not conserved and is located within the 20-aa beta-catenin down-regulating, SAMP repeats and axin binding domains (Azzopardi 2008). In silico analyses predict that this variant is unlikely to alter protein structure or function. Based on currently available evidence, it is unclear whether APC Gly1702Arg is a pathogenic or benign variant. We consider it to be a variant of uncertain significance.

Ambry Genetics
Classification: Uncertain significance for Hereditary cancer-predisposing syndrome. Last evaluated: 2015-03-04. Review status: criteria provided, single submitter. Criteria: Ambry Variant Classification Scheme 2023. Collection method: clinical testing. Allele origin: germline.
Comment: The p.G1702R variant (also known as c.5104G>A), located in coding exon 15 of the APC gene, results from a G to A substitution at nucleotide position 5104. The glycine at codon 1702 is replaced by arginine, an amino acid with dissimilar properties. This variant was not reported in population based cohorts in the following databases: Database of Single Nucleotide Polymorphisms (dbSNP), NHLBI Exome Sequencing Project (ESP), and 1000 Genomes Project. In the ESP, this variant was not observed in 6501 samples (13002 alleles) with coverage at this position. To date, this alteration has been detected with an allele frequency of approximately 0.005% (greater than 21000 alleles tested) in our clinical cohort. This amino acid position is poorly conserved in available vertebrate species, with arginine being the common amino acid in the majority of vertebrate species. In addition, in silico predictors for this gene do not accurately predict pathogenicity. Since supporting evidence is limited at this time, the clinical significance of p.G1702R remains unclear.

NM_000038.6(APC):c.5104G>A (p.Gly1702Arg)

Gene: APC (APC regulator of Wnt signaling pathway; plus strand). Cytogenetic location: 5q22.2.
Variant type: single nucleotide variant.
Coding change: c.5104G>A on transcript NM_000038.6 (MANE Select); coding-DNA position 5104, G replaced by A.
Protein change: p.Gly1702Arg; replaces glycine 1702 with arginine.
Molecular consequence: missense variant.
Genome position (GRCh38, 1-based): chr5:112,840,698, G>A. VCF-style: chr5-112840698-G-A. GRCh37 (hg19) VCF-style: chr5-112176395-G-A.
Other names: c.5104G>A, p.Gly1702Arg (NM_001127510.3, NM_001354895.2); c.5050G>A, p.Gly1684Arg (NM_001127511.3); c.5158G>A, p.Gly1720Arg (NM_001354896.2); c.5134G>A, p.Gly1712Arg (NM_001354897.2); c.5029G>A, p.Gly1677Arg (NM_001354898.2); c.5020G>A, p.Gly1674Arg (NM_001354899.2); c.4981G>A, p.Gly1661Arg (NM_001354900.2); c.4927G>A, p.Gly1643Arg (NM_001354901.2); and 5 more; short protein forms G1684R, G1702R, G1601R, G1611R, G1712R, G1419R, G1542R, G1643R.
Identifiers: ClinVar variation 230774 (VCV000230774.9), dbSNP rs876658764, ClinGen allele CA10578394.
Genomic context (GRCh38, chr5:112,840,698, plus strand): 5'-GGTGAATTTGAAAAACGAGATACCATTCCTACAGAAGGCAGAAGTACAGATGAGGCTCAA[G>A]GAGGAAAAACCTCATCTGTAACCATACCTGAATTGGATGACAATAAAGCAGAGGAAGGTG-3'
Protein context (NP_000029.2, residues 1692-1712): TEGRSTDEAQ[Gly1702Arg]GKTSSVTIPE